The following is an entry in ClinVar:

ClinVar aggregate classification (germline): Likely benign (1 of 4 stars; one submission).

Submission:

GeneDx
Classification: Likely benign. Last evaluated: 2016-05-26. Review status: criteria provided, single submitter. Criteria: GeneDx Variant Classification (06012015). Collection method: clinical testing. Allele origin: germline. Affected: yes.
Comment: This variant is considered likely benign or benign based on one or more of the following criteria: it is a conservative change, it occurs at a poorly conserved position in the protein, it is predicted to be benign by multiple in silico algorithms, and/or has population frequency not consistent with disease.

NM_000264.5(PTCH1):c.-18G>A

Genes: PTCH1 (patched 1; minus strand), LOC130002133 (ATAC-STARR-seq lymphoblastoid silent region 20071; plus strand). Cytogenetic location: 9q22.32.
Variant type: single nucleotide variant.
Coding change: c.-18G>A on transcript NM_000264.5 (MANE Select); 18 bases upstream of the start codon, G replaced by A.
Molecular consequence: 5 prime UTR variant. On other transcripts: non-coding transcript variant (1), intron variant (3).
Genome position (GRCh38, 1-based): chr9:95,508,379, C>T on the plus strand (G>A on the coding strand, the complement: PTCH1 is on the minus strand). VCF-style: chr9-95508379-C-T. GRCh37 (hg19) VCF-style: chr9-98270661-C-T.
Other names: c.-18G>A (NM_001354918.2); c.199-1780G>A (NM_001083603.3); c.4-1780G>A (NM_001083602.3, NM_001354919.2).
Identifiers: ClinVar variation 386559 (VCV000386559.1), dbSNP rs1057522532, ClinGen allele CA16605584.